The following is an entry in ClinVar:

NM_004999.4(MYO6):c.3667G>A (p.Asp1223Asn)

Gene: MYO6 (myosin VI; plus strand). Cytogenetic location: 6q14.1.
Variant type: single nucleotide variant.
Coding change: c.3667G>A on transcript NM_004999.4 (MANE Select); coding-DNA position 3667, G replaced by A.
Protein change: p.Asp1223Asn; replaces aspartic acid 1223 with asparagine.
Molecular consequence: missense variant. On other transcripts: non-coding transcript variant (1).
Genome position (GRCh38, 1-based): chr6:75,914,821, G>A. VCF-style: chr6-75914821-G-A. GRCh37 (hg19) VCF-style: chr6-76624538-G-A.
Other names: c.3598G>A, p.Asp1200Asn (NM_001300899.2); c.3571G>A, p.Asp1191Asn (NM_001368136.1); c.3628G>A, p.Asp1210Asn (NM_001368137.1); c.3583G>A, p.Asp1195Asn (NM_001368138.1); c.3694G>A, p.Asp1232Asn (NM_001368865.1); c.3667G>A, p.Asp1223Asn (NM_001368866.1); short protein forms D1223N, D1191N, D1200N, D1210N, D1195N, D1232N.
Identifiers: ClinVar variation 45159 (VCV000045159.54), dbSNP rs41269323, ClinGen allele CA135635.

ClinVar aggregate classification (germline): Conflicting classifications of pathogenicity. Review status: criteria provided, conflicting classifications (1 of 4 stars). 9 submissions from 8 submitters: Uncertain significance (1); Benign (6). 2 of the submissions do not count toward it. Last evaluated 2026-09-01.

Conditions:
Autosomal dominant nonsyndromic hearing loss 22. Also called: Autosomal dominant nonsyndromic deafness 22; DFNA 22. Identifiers: Orphanet 228012, MedGen C2931767, MONDO:0011660, OMIM 606346.
Autosomal recessive nonsyndromic hearing loss 37. Identifiers: Orphanet 90636, MedGen C1843028, MONDO:0011912, OMIM 607821.

Allele frequency attached by ClinVar (database versions not stated): 1000 Genomes Project 30x 0.00531; TOPMed 0.00746; gnomAD exomes 0.00960 and 0.01043; 1000 Genomes Project 0.00559; ExAC 0.00996; gnomAD 0.00784 and 0.00799; ESP Exome Variant Server 0.00907.
gnomAD v4.1: 15,398 of 1,614,072 alleles (0.95%); highest among the groups gnomAD compares: Middle Eastern, 2.2%; 114 homozygotes.

Submissions (9):

CeGaT Center for Human Genetics Tuebingen
Classification: Benign. Last evaluated: 2026-09-01. Review status: criteria provided, single submitter. Criteria: CeGaT Center For Human Genetics Tuebingen Variant Classification Criteria Version 2. Collection method: clinical testing. Allele origin: germline. Affected: yes. Observed: 25 variant alleles.
Comment: MYO6: PP3, BS1, BS2

Labcorp Genetics (formerly Invitae), Labcorp
Classification: Benign. Last evaluated: 2026-01-15. Review status: criteria provided, single submitter. Criteria: Invitae Variant Classification Sherloc (09022015). Collection method: clinical testing. Allele origin: germline.

GeneDx
Classification: Benign. Last evaluated: 2018-06-07. Review status: criteria provided, single submitter. Criteria: GeneDx Variant Classification Process June 2021. Collection method: clinical testing. Allele origin: germline. Affected: yes.
Comment: This variant is associated with the following publications: (PMID: 29224747)

Illumina Laboratory Services, Illumina
Classification: Benign for Autosomal dominant nonsyndromic hearing loss 22. Last evaluated: 2018-01-12. Review status: criteria provided, single submitter. Criteria: ICSL Variant Classification Criteria 13 December 2019. Collection method: clinical testing. Allele origin: germline.
Comment: This variant was observed in the ICSL laboratory as part of a predisposition screen in an ostensibly healthy population. It had not been previously curated by ICSL or reported in the Human Gene Mutation Database (HGMD: prior to June 1st, 2018), and was therefore a candidate for classification through an automated scoring system. Utilizing variant allele frequency, disease prevalence and penetrance estimates, and inheritance mode, an automated score was calculated to assess if this variant is too frequent to cause the disease. Based on the score and internal cut-off values, a variant classified as benign is not then subjected to further curation. The score for this variant resulted in a classification of benign for this disease.

Illumina Laboratory Services, Illumina
Classification: Uncertain significance for Autosomal recessive nonsyndromic hearing loss 37. Last evaluated: 2018-01-12. Review status: criteria provided, single submitter. Criteria: ICSL Variant Classification Criteria 13 December 2019. Collection method: clinical testing. Allele origin: germline.

Laboratory for Molecular Medicine, Mass General Brigham Personalized Medicine
Classification: Benign. Last evaluated: 2011-11-03. Review status: criteria provided, single submitter. Criteria: LMM Criteria. Collection method: clinical testing. Allele origin: germline. Observed: 37 variant alleles.
Comment: Asp1223Asn in exon 35 of MYO6: This variant is not expected to have clinical sig nificance because it was identified in 0.8% (44/5483 chromosomes) of a broad pop ulation (dbSNP rs41269323) and computational analyses do not predict a high like lihood of impact to the protein.

PreventionGenetics, part of Exact Sciences
Classification: Benign. Review status: criteria provided, single submitter. Criteria: ACMG Guidelines, 2015. Collection method: clinical testing. Allele origin: germline.

Clinical Genetics DNA and cytogenetics Diagnostics Lab, Erasmus MC, Erasmus Medical Center
Classification: Benign. Review status: no assertion criteria provided. Collection method: clinical testing. Allele origin: germline. Affected: yes. Study: VKGL Data-share Consensus. Not counted in ClinVar's aggregate classification.

Joint Genome Diagnostic Labs from Nijmegen and Maastricht, Radboudumc and MUMC+
Classification: Benign. Review status: no assertion criteria provided. Collection method: clinical testing. Allele origin: germline. Affected: yes. Study: VKGL Data-share Consensus. Not counted in ClinVar's aggregate classification.